The following is an entry in ClinVar:

ClinVar aggregate classification (germline): Uncertain significance (1 of 4 stars; one submission).

Conditions:
Desmin-related myofibrillar myopathy (MFM1). Also called: Desminopathy; Desmin related myopathy (former name); Desmin storage myopathy (former name); DESMIN-RELATED MYOPATHY WITH ARRHYTHMOGENIC RIGHT VENTRICULAR CARDIOMYOPATHY; MYOFIBRILLAR MYOPATHY WITH ARRHYTHMOGENIC RIGHT VENTRICULAR CARDIOMYOPATHY; Myofibrillar myopathy 1. Identifiers: Orphanet 363543, Orphanet 98909, MedGen C1832370, MONDO:0011076, OMIM 601419.

Submission:

Labcorp Genetics (formerly Invitae), Labcorp
Classification: Uncertain significance for Desmin-related myofibrillar myopathy. Last evaluated: 2022-08-22. Review status: criteria provided, single submitter. Criteria: Invitae Variant Classification Sherloc (09022015). Collection method: clinical testing. Allele origin: germline.
Comment: This variant has not been reported in the literature in individuals affected with DES-related conditions. In summary, the available evidence is currently insufficient to determine the role of this variant in disease. Therefore, it has been classified as a Variant of Uncertain Significance. Algorithms developed to predict the effect of sequence changes on RNA splicing suggest that this variant may create or strengthen a splice site. Algorithms developed to predict the effect of missense changes on protein structure and function are either unavailable or do not agree on the potential impact of this missense change (SIFT: "Tolerated"; PolyPhen-2: "Possibly Damaging"; Align-GVGD: "Class C0"). ClinVar contains an entry for this variant (Variation ID: 1471734). This variant is not present in population databases (gnomAD no frequency). This sequence change replaces threonine, which is neutral and polar, with serine, which is neutral and polar, at codon 271 of the DES protein (p.Thr271Ser).

NM_001927.4(DES):c.811A>T (p.Thr271Ser)

Gene: DES (desmin; plus strand). Cytogenetic location: 2q35.
Variant type: single nucleotide variant.
Coding change: c.811A>T on transcript NM_001927.4 (MANE Select); coding-DNA position 811, A replaced by T.
Protein change: p.Thr271Ser; replaces threonine 271 with serine.
Molecular consequence: missense variant. On other transcripts: intron variant (1).
Genome position (GRCh38, 1-based): chr2:219,420,570, A>T. VCF-style: chr2-219420570-A-T. GRCh37 (hg19) VCF-style: chr2-220285292-A-T.
Other names: c.808A>T, p.Thr270Ser (NM_001382708.1); c.811A>T, p.Thr271Ser (NM_001382710.1, NM_001382711.1, NM_001382712.1); c.541A>T, p.Thr181Ser (NM_001382713.1); c.735+224A>T (NM_001382709.1); short protein forms T270S, T271S, T181S.
Identifiers: ClinVar variation 1471734 (VCV001471734.8), dbSNP rs2125167886, ClinGen allele CA350691249.